The following is an entry in ClinVar:

ClinVar aggregate classification (germline): Likely pathogenic (1 of 4 stars; one submission).

Conditions:
Autosomal recessive limb-girdle muscular dystrophy type 2Y (MRRSDC). Also called: Muscular dystrophy, limb-girdle, type 2y; Muscular dystrophy, autosomal recessive, with rigid spine and distal joint contractures. Identifiers: Orphanet 424261, MedGen C4511482, MONDO:0014900, OMIM 617072.

gnomAD v4.1: 1 of 1,586,156 alleles (0.000063%); no homozygotes.

Submission:

Neuberg Centre For Genomic Medicine, NCGM
Classification: Likely pathogenic for Autosomal recessive limb-girdle muscular dystrophy type 2Y. Review status: criteria provided, single submitter. Criteria: ACMG Guidelines, 2015. Collection method: clinical testing. Allele origin: germline. Inheritance: Autosomal recessive inheritance. Affected: yes.
Comment: The splice site c.797-2A>G variant in TOR1AIP1 gene has not been reported previously as a pathogenic variant nor as a benign variant, to our knowledge. The variant is absent in gnomAD. The variant affects AG acceptor splice site upstream to exon 7. The spliceAI tool predicts the variant to be damaging. The residue is conserved by GERP++ and PhyloP across 100 vertebrates.Loss of function is a known mechanism of disease. Loss-of-function variants in TOR1AIP1 are known to be pathogenic (Ghaoui, Roula et al.,2016). For these reasons, this variant has been classified as Likely Pathogenic.

NM_015602.4(TOR1AIP1):c.797-2A>G

Gene: TOR1AIP1 (torsin 1A interacting protein 1; plus strand). Cytogenetic location: 1q25.2.
Variant type: single nucleotide variant.
Coding change: c.797-2A>G on transcript NM_015602.4 (MANE Select); the canonical splice acceptor site of the intron before coding-DNA position 797, A replaced by G.
Molecular consequence: splice acceptor variant.
Genome position (GRCh38, 1-based): chr1:179,907,821, A>G. VCF-style: chr1-179907821-A-G. GRCh37 (hg19) VCF-style: chr1-179876956-A-G.
Other names: c.800-2A>G (NM_001267578.2).
Identifiers: ClinVar variation 3377574 (VCV003377574.1).